The following is an entry in ClinVar:

ClinVar aggregate classification (germline): Uncertain significance (0 of 4 stars; one submission).

Conditions:
PLXNA4-related disorder. Also called: PLXNA4-related condition.

gnomAD v4.1: 11 of 1,614,162 alleles (0.00068%); highest among the groups gnomAD compares: East Asian, 0.0022%; no homozygotes.

Submission:

PreventionGenetics, part of Exact Sciences
Classification: Uncertain significance for PLXNA4-related condition. Last evaluated: 2024-05-17. Review status: no assertion criteria provided. Collection method: clinical testing. Allele origin: germline.
Comment: The PLXNA4 c.3230A>G variant is predicted to result in the amino acid substitution p.His1077Arg. To our knowledge, this variant has not been reported in the literature. This variant is reported in 0.00088% of alleles in individuals of European (Non-Finnish) descent in gnomAD. At this time, the clinical significance of this variant is uncertain due to the absence of conclusive functional and genetic evidence.

NM_020911.2(PLXNA4):c.3230A>G (p.His1077Arg)

Gene: PLXNA4 (plexin A4; minus strand). Cytogenetic location: 7q32.3.
Variant type: single nucleotide variant.
Coding change: c.3230A>G on transcript NM_020911.2 (MANE Select); coding-DNA position 3230, A replaced by G.
Protein change: p.His1077Arg; replaces histidine 1077 with arginine.
Molecular consequence: missense variant.
Genome position (GRCh38, 1-based): chr7:132,182,119, T>C on the plus strand (A>G on the coding strand, the complement: PLXNA4 is on the minus strand). VCF-style: chr7-132182119-T-C. GRCh37 (hg19) VCF-style: chr7-131866878-T-C.
Other names: c.3230A>G, p.His1077Arg (NM_001393897.1); short protein forms H1077R.
Identifiers: ClinVar variation 3346679 (VCV003346679.1).